The following is an entry in ClinVar:

ClinVar aggregate classification (germline): Uncertain significance (1 of 4 stars; one submission).

Submission:

Labcorp Genetics (formerly Invitae), Labcorp
Classification: Uncertain significance. Last evaluated: 2023-08-16. Review status: criteria provided, single submitter. Criteria: Invitae Variant Classification Sherloc (09022015). Collection method: clinical testing. Allele origin: germline.
Comment: This sequence change replaces serine, which is neutral and polar, with threonine, which is neutral and polar, at codon 223 of the SETBP1 protein (p.Ser223Thr). This variant is not present in population databases (gnomAD no frequency). In summary, the available evidence is currently insufficient to determine the role of this variant in disease. Therefore, it has been classified as a Variant of Uncertain Significance. Advanced modeling of protein sequence and biophysical properties (such as structural, functional, and spatial information, amino acid conservation, physicochemical variation, residue mobility, and thermodynamic stability) performed at Invitae indicates that this missense variant is not expected to disrupt SETBP1 protein function. This variant has not been reported in the literature in individuals affected with SETBP1-related conditions.

NM_015559.3(SETBP1):c.667T>A (p.Ser223Thr)

Gene: SETBP1 (SET binding protein 1; plus strand). Cytogenetic location: 18q12.3.
Variant type: single nucleotide variant.
Coding change: c.667T>A on transcript NM_015559.3 (MANE Select); coding-DNA position 667, T replaced by A.
Protein change: p.Ser223Thr; replaces serine 223 with threonine.
Molecular consequence: missense variant.
Genome position (GRCh38, 1-based): chr18:44,950,007, T>A. VCF-style: chr18-44950007-T-A. GRCh37 (hg19) VCF-style: chr18-42529972-T-A.
Other names: c.667T>A, p.Ser223Thr (NM_001379141.1, NM_001379142.1, NM_001410862.1); short protein forms S223T.
Identifiers: ClinVar variation 2742186 (VCV002742186.3), dbSNP rs2071299377, ClinGen allele CA402316579.